The following is an entry in ClinVar:

ClinVar aggregate classification (germline): Conflicting classifications of pathogenicity. Review status: criteria provided, conflicting classifications (1 of 4 stars). 3 submissions from 3 submitters: Uncertain significance (2); Likely benign (1). Last evaluated 2025-10-22.

Conditions:
Inborn genetic diseases. Identifiers: MedGen C0950123, MeSH D030342.

Allele frequency attached by ClinVar (database versions not stated): gnomAD exomes 0.00001.
gnomAD v4.1: 11 of 1,610,808 alleles (0.00068%); highest among the groups gnomAD compares: Middle Eastern, 0.066%; no homozygotes.

Submissions (3):

Ambry Genetics
Classification: Likely benign for Inborn genetic diseases. Last evaluated: 2025-10-22. Review status: criteria provided, single submitter. Criteria: Ambry Variant Classification Scheme 2023. Collection method: clinical testing. Allele origin: germline.

Labcorp Genetics (formerly Invitae), Labcorp
Classification: Uncertain significance. Last evaluated: 2023-10-05. Review status: criteria provided, single submitter. Criteria: Invitae Variant Classification Sherloc (09022015). Collection method: clinical testing. Allele origin: germline.
Comment: This sequence change replaces arginine, which is basic and polar, with lysine, which is basic and polar, at codon 746 of the AP3D1 protein (p.Arg746Lys). This variant is present in population databases (no rsID available, gnomAD 0.01%). This variant has not been reported in the literature in individuals affected with AP3D1-related conditions. ClinVar contains an entry for this variant (Variation ID: 2184784). Algorithms developed to predict the effect of missense changes on protein structure and function output the following: SIFT: "Not Available"; PolyPhen-2: "Benign"; Align-GVGD: "Not Available". The lysine amino acid residue is found in multiple mammalian species, which suggests that this missense change does not adversely affect protein function. In summary, the available evidence is currently insufficient to determine the role of this variant in disease. Therefore, it has been classified as a Variant of Uncertain Significance.

Mayo Clinic Laboratories, Mayo Clinic
Classification: Uncertain significance. Last evaluated: 2023-09-05. Review status: criteria provided, single submitter. Criteria: ACMG Guidelines, 2015. Collection method: clinical testing. Allele origin: germline. Observed: 1 variant allele.
Comment: BP4

NM_001261826.3(AP3D1):c.2237G>A (p.Arg746Lys)

Gene: AP3D1 (adaptor related protein complex 3 subunit delta 1; minus strand). Cytogenetic location: 19p13.3.
Variant type: single nucleotide variant.
Coding change: c.2237G>A on transcript NM_001261826.3 (MANE Select); coding-DNA position 2237, G replaced by A.
Protein change: p.Arg746Lys; replaces arginine 746 with lysine.
Molecular consequence: missense variant.
Genome position (GRCh38, 1-based): chr19:2,115,331, C>T on the plus strand (G>A on the coding strand, the complement: AP3D1 is on the minus strand). VCF-style: chr19-2115331-C-T. GRCh37 (hg19) VCF-style: chr19-2115330-C-T.
Other names: p.Arg746Lys; c.2237G>A (NM_003938.5); c.2237G>A, p.Arg746Lys (NM_001374799.1, NM_003938.8); short protein forms R746K.
Identifiers: ClinVar variation 2184784 (VCV002184784.6), dbSNP rs903781940, ClinGen allele CA304155519.
Genomic context (GRCh38, chr19:2,115,331, plus strand): 5'-TCGTCGCTCTCCGTGGGCAGCGAGCTGTGGCGGCGCTTGCCCTTCTTCTCCTTCTCCTTC[C>T]TCTTTTTCCTCCTCTTGTCCTTCTCCAGCTTCTGCCGGTGCCGCCGCTCCTCCTCCAGCT-3'
Protein context (NP_001248755.1, residues 736-756): KLEKDKRRKK[Arg746Lys]KEKEKKGKRR